The following is an entry in ClinVar:

NM_001134831.2(AHI1):c.167T>C (p.Met56Thr)

Gene: AHI1 (Abelson helper integration site 1; minus strand). Cytogenetic location: 6q23.3.
Variant type: single nucleotide variant.
Coding change: c.167T>C on transcript NM_001134831.2 (MANE Select); coding-DNA position 167, T replaced by C.
Protein change: p.Met56Thr; replaces methionine 56 with threonine.
Molecular consequence: missense variant.
Genome position (GRCh38, 1-based): chr6:135,467,603, A>G on the plus strand (T>C on the coding strand, the complement: AHI1 is on the minus strand). VCF-style: chr6-135467603-A-G. GRCh37 (hg19) VCF-style: chr6-135788741-A-G.
Other names: c.167T>C, p.Met56Thr (NM_001134830.2, NM_001134832.2, NM_001350503.2 and 2 more transcripts); short protein forms M56T.
Identifiers: ClinVar variation 1425986 (VCV001425986.5), dbSNP rs1340420754, ClinGen allele CA365753520.

ClinVar aggregate classification (germline): Uncertain significance (1 of 4 stars; one submission).

Conditions:
Joubert syndrome. Also called: CEREBELLOPARENCHYMAL DISORDER IV; JOUBERT-BOLTSHAUSER SYNDROME; Familial aplasia of the vermis. Identifiers: Orphanet 475, MedGen C5979921, MONDO:0018772.

Allele frequency attached by ClinVar (database versions not stated): gnomAD exomes below 0.00001 and 0.00001; TOPMed below 0.00001.
gnomAD v4.1: 3 of 1,609,810 alleles (0.00019%); highest among the groups gnomAD compares: East Asian, 0.0022%; no homozygotes.

Submission:

Labcorp Genetics (formerly Invitae), Labcorp
Classification: Uncertain significance for Joubert syndrome. Last evaluated: 2021-08-13. Review status: criteria provided, single submitter. Criteria: Invitae Variant Classification Sherloc (09022015). Collection method: clinical testing. Allele origin: germline.
Comment: This sequence change replaces methionine with threonine at codon 56 of the AHI1 protein (p.Met56Thr). The methionine residue is weakly conserved and there is a moderate physicochemical difference between methionine and threonine. This variant is not present in population databases (ExAC no frequency). This variant has not been reported in the literature in individuals affected with AHI1-related conditions. Advanced modeling of protein sequence and biophysical properties (such as structural, functional, and spatial information, amino acid conservation, physicochemical variation, residue mobility, and thermodynamic stability) performed at Invitae indicates that this missense variant is not expected to disrupt AHI1 protein function. In summary, the available evidence is currently insufficient to determine the role of this variant in disease. Therefore, it has been classified as a Variant of Uncertain Significance.